The following is an entry in ClinVar:

ClinVar aggregate classification (germline): Uncertain significance (1 of 4 stars; one submission).

Conditions:
Gnathodiaphyseal dysplasia (GDD). Also called: GNATHODIAPHYSEAL SCLEROSIS; OSTEOGENESIS IMPERFECTA WITH UNUSUAL SKELETAL LESIONS. Identifiers: Orphanet 53697, MedGen C1833736, MONDO:0008151, OMIM 166260.
Autosomal recessive limb-girdle muscular dystrophy type 2L (LGMDR12). Also called: Limb-girdle muscular dystrophy, type 2L; MUSCULAR DYSTROPHY, LIMB-GIRDLE, AUTOSOMAL RECESSIVE 12; Limb-Girdle Muscular Dystrophy R12 Anoctamin-5-Related (LGMD-R12). Identifiers: Orphanet 206549, MedGen C1969785, MONDO:0012652, OMIM 611307.

Allele frequency attached by ClinVar (database versions not stated): gnomAD 0.00001; TOPMed 0.00001; ExAC 0.00002; gnomAD exomes 0.00002; ESP Exome Variant Server 0.00008.
gnomAD v4.1: 27 of 1,603,204 alleles (0.0017%); highest among the groups gnomAD compares: African/African-American, 0.0027%; no homozygotes.

Submission:

Labcorp Genetics (formerly Invitae), Labcorp
Classification: Uncertain significance for Autosomal recessive limb-girdle muscular dystrophy type 2L; Gnathodiaphyseal dysplasia. Last evaluated: 2023-01-17. Review status: criteria provided, single submitter. Criteria: Invitae Variant Classification Sherloc (09022015). Collection method: clinical testing. Allele origin: germline.
Comment: This sequence change replaces threonine, which is neutral and polar, with methionine, which is neutral and non-polar, at codon 752 of the ANO5 protein (p.Thr752Met). This variant is present in population databases (rs373471188, gnomAD 0.01%). This variant has not been reported in the literature in individuals affected with ANO5-related conditions. Advanced modeling of protein sequence and biophysical properties (such as structural, functional, and spatial information, amino acid conservation, physicochemical variation, residue mobility, and thermodynamic stability) performed at Invitae indicates that this missense variant is expected to disrupt ANO5 protein function. In summary, the available evidence is currently insufficient to determine the role of this variant in disease. Therefore, it has been classified as a Variant of Uncertain Significance.

NM_213599.3(ANO5):c.2255C>T (p.Thr752Met)

Gene: ANO5 (anoctamin 5; plus strand). Cytogenetic location: 11p14.3.
Variant type: single nucleotide variant.
Coding change: c.2255C>T on transcript NM_213599.3 (MANE Select); coding-DNA position 2255, C replaced by T.
Protein change: p.Thr752Met; replaces threonine 752 with methionine.
Molecular consequence: missense variant.
Genome position (GRCh38, 1-based): chr11:22,274,588, C>T. VCF-style: chr11-22274588-C-T. GRCh37 (hg19) VCF-style: chr11-22296134-C-T.
Other names: c.2252C>T, p.Thr751Met (NM_001142649.2); c.2213C>T, p.Thr738Met (NM_001410963.1); c.2210C>T, p.Thr737Met (NM_001410964.1); short protein forms T751M, T737M, T752M, T738M.
Identifiers: ClinVar variation 2933959 (VCV002933959.2), dbSNP rs373471188, ClinGen allele CA5923511.
Genomic context (GRCh38, chr11:22,274,588, plus strand): 5'-TGGCAGCTGATGATCTTCCTCTTTTTTTTTTTATTCTTCAGGCCTTTATTGTTGCATTTA[C>T]GTCAGACATCATTCCCCGTCTAGTTTACTACTATGCTTACTCAACAAATGCCACACAGCC-3'
Protein context (NP_998764.1, residues 742-762): VATNAFIVAF[Thr752Met]SDIIPRLVYY